The following is an entry in ClinVar:

NM_001112741.2(KCNC1):c.1633C>T (p.Pro545Ser)

Gene: KCNC1 (potassium voltage-gated channel subfamily C member 1; plus strand). Cytogenetic location: 11p15.1.
Variant type: single nucleotide variant.
Coding change: c.1633C>T on transcript NM_001112741.2 (MANE Select); coding-DNA position 1633, C replaced by T.
Protein change: p.Pro545Ser; replaces proline 545 with serine.
Molecular consequence: missense variant.
Genome position (GRCh38, 1-based): chr11:17,779,584, C>T. VCF-style: chr11-17779584-C-T. GRCh37 (hg19) VCF-style: chr11-17801131-C-T.
Other names: short protein forms P545S.
Identifiers: ClinVar variation 2701432 (VCV002701432.3), dbSNP rs1451894577, ClinGen allele CA379814481.

ClinVar aggregate classification (germline): Uncertain significance (1 of 4 stars; one submission).

Conditions:
Progressive myoclonic epilepsy type 7. Identifiers: Orphanet 435438, MedGen C4015420, MONDO:0014521, OMIM 616187.

Allele frequency attached by ClinVar (database versions not stated): gnomAD exomes below 0.00001; TOPMed below 0.00001.
gnomAD v4.1: 6 of 1,551,504 alleles (0.00039%); highest among the groups gnomAD compares: African/African-American, 0.0041%; no homozygotes.

Submission:

Labcorp Genetics (formerly Invitae), Labcorp
Classification: Uncertain significance for Progressive myoclonic epilepsy type 7. Last evaluated: 2025-08-14. Review status: criteria provided, single submitter. Criteria: Invitae Variant Classification Sherloc (09022015). Collection method: clinical testing. Allele origin: germline.
Comment: This sequence change replaces proline, which is neutral and non-polar, with serine, which is neutral and polar, at codon 545 of the KCNC1 protein (p.Pro545Ser). This variant is present in population databases (no rsID available, gnomAD 0.01%). This variant has not been reported in the literature in individuals affected with KCNC1-related conditions. ClinVar contains an entry for this variant (Variation ID: 2701432). An algorithm developed to predict the effect of missense changes on protein structure and function (PolyPhen-2) suggests that this variant is likely to be tolerated. In summary, the available evidence is currently insufficient to determine the role of this variant in disease. Therefore, it has been classified as a Variant of Uncertain Significance.